The following is an entry in ClinVar:

ClinVar aggregate classification (germline): Uncertain significance (0 of 4 stars; one submission).

Conditions:
POU3F3-related disorder. Also called: POU3F3-related condition.

gnomAD v4.1: 3 of 1,611,792 alleles (0.00019%); highest among the groups gnomAD compares: African/African-American, 0.0013%; no homozygotes.

Submission:

PreventionGenetics, part of Exact Sciences
Classification: Uncertain significance for POU3F3-related condition. Last evaluated: 2024-08-28. Review status: no assertion criteria provided. Collection method: clinical testing. Allele origin: germline.
Comment: The POU3F3 c.1450G>A variant is predicted to result in the amino acid substitution p.Val484Met. To our knowledge, this variant has not been reported in the literature or in a large population database, indicating this variant is rare. At this time, the clinical significance of this variant is uncertain due to the absence of conclusive functional and genetic evidence.

NM_006236.3(POU3F3):c.1450G>A (p.Val484Met)

Gene: POU3F3 (POU class 3 homeobox 3; plus strand). Cytogenetic location: 2q12.1.
Variant type: single nucleotide variant.
Coding change: c.1450G>A on transcript NM_006236.3 (MANE Select); coding-DNA position 1450, G replaced by A.
Protein change: p.Val484Met; replaces valine 484 with methionine.
Molecular consequence: missense variant.
Genome position (GRCh38, 1-based): chr2:104,856,960, G>A. VCF-style: chr2-104856960-G-A. GRCh37 (hg19) VCF-style: chr2-105473418-G-A.
Other names: short protein forms V484M.
Identifiers: ClinVar variation 3350911 (VCV003350911.1).
Genomic context (GRCh38, chr2:104,856,960, plus strand): 5'-ATGACGCCGCCCGGGATCCAACAGCAGACGCCCGACGACGTCTACTCGCAGGTGGGCACC[G>A]TGAGCGCCGACACGCCGCCGCCTCACCACGGGCTGCAGACGAGCGTTCAGTGAAGCCAGG-3'
Protein context (NP_006227.1, residues 474-494): PDDVYSQVGT[Val484Met]SADTPPPHHG